The following is an entry in ClinVar:

NM_006846.4(SPINK5):c.210G>T (p.Leu70=)

Gene: SPINK5 (serine peptidase inhibitor Kazal type 5; plus strand). Cytogenetic location: 5q32.
Variant type: single nucleotide variant.
Coding change: c.210G>T on transcript NM_006846.4 (MANE Select); coding-DNA position 210, G replaced by T.
Protein change: p.Leu70=; no amino-acid change (leucine 70 retained).
Molecular consequence: synonymous variant.
Genome position (GRCh38, 1-based): chr5:148,072,148, G>T. VCF-style: chr5-148072148-G-T. GRCh37 (hg19) VCF-style: chr5-147451711-G-T.
Other names: c.210G>T, p.Leu70= (NM_001127698.2, NM_001127699.2).
Identifiers: ClinVar variation 1950831 (VCV001950831.3), dbSNP rs775544442, ClinGen allele CA3495146.

ClinVar aggregate classification (germline): Uncertain significance (1 of 4 stars; one submission).

Conditions:
Ichthyosis linearis circumflexa. Identifiers: MedGen C0265962, MONDO:0043106, HP:0025810.

Allele frequency attached by ClinVar (database versions not stated): gnomAD exomes below 0.00001; ExAC 0.00001; gnomAD 0.00001; TOPMed 0.00001.
gnomAD v4.1: 6 of 1,611,696 alleles (0.00037%); highest among the groups gnomAD compares: Admixed American, 0.0033%; no homozygotes.

Submission:

Labcorp Genetics (formerly Invitae), Labcorp
Classification: Uncertain significance for Ichthyosis linearis circumflexa. Last evaluated: 2022-08-14. Review status: criteria provided, single submitter. Criteria: Invitae Variant Classification Sherloc (09022015). Collection method: clinical testing. Allele origin: germline.
Comment: The frequency data for this variant in the population databases is considered unreliable, as metrics indicate poor data quality at this position in the gnomAD database. In summary, the available evidence is currently insufficient to determine the role of this variant in disease. Therefore, it has been classified as a Variant of Uncertain Significance. Algorithms developed to predict the effect of sequence changes on RNA splicing suggest that this variant is not likely to affect RNA splicing. This variant has not been reported in the literature in individuals affected with SPINK5-related conditions. This sequence change affects codon 70 of the SPINK5 mRNA. It is a 'silent' change, meaning that it does not change the encoded amino acid sequence of the SPINK5 protein. It affects a nucleotide within the consensus splice site.